The following is an entry in ClinVar:

NM_001378418.1(TCF20):c.926C>A (p.Thr309Asn)

Gene: TCF20 (transcription factor 20; minus strand). Cytogenetic location: 22q13.2.
Variant type: single nucleotide variant.
Coding change: c.926C>A on transcript NM_001378418.1 (MANE Select); coding-DNA position 926, C replaced by A.
Protein change: p.Thr309Asn; replaces threonine 309 with asparagine.
Molecular consequence: missense variant.
Genome position (GRCh38, 1-based): chr22:42,214,380, G>T on the plus strand (C>A on the coding strand, the complement: TCF20 is on the minus strand). VCF-style: chr22-42214380-G-T. GRCh37 (hg19) VCF-style: chr22-42610386-G-T.
Other names: c.926C>A, p.Thr309Asn (NM_005650.4, NM_181492.3); short protein forms T309N.
Identifiers: ClinVar variation 3668115 (VCV003668115.2).

ClinVar aggregate classification (germline): Uncertain significance (1 of 4 stars; one submission).

Submission:

Labcorp Genetics (formerly Invitae), Labcorp
Classification: Uncertain significance. Last evaluated: 2025-01-02. Review status: criteria provided, single submitter. Criteria: Invitae Variant Classification Sherloc (09022015). Collection method: clinical testing. Allele origin: germline.
Comment: This sequence change replaces threonine, which is neutral and polar, with asparagine, which is neutral and polar, at codon 309 of the TCF20 protein (p.Thr309Asn). This variant is present in population databases (no rsID available, gnomAD 0.003%). This variant has not been reported in the literature in individuals affected with TCF20-related conditions. An algorithm developed to predict the effect of missense changes on protein structure and function outputs the following: PolyPhen-2: "Benign". The asparagine amino acid residue is found in multiple mammalian species, which suggests that this missense change does not adversely affect protein function. In summary, the available evidence is currently insufficient to determine the role of this variant in disease. Therefore, it has been classified as a Variant of Uncertain Significance.